The following is an entry in ClinVar:

ClinVar aggregate classification (germline): Uncertain significance (1 of 4 stars; one submission).

Submission:

Labcorp Genetics (formerly Invitae), Labcorp
Classification: Uncertain significance. Last evaluated: 2024-04-04. Review status: criteria provided, single submitter. Criteria: Invitae Variant Classification Sherloc (09022015). Collection method: clinical testing. Allele origin: germline.
Comment: This sequence change replaces glutamine, which is neutral and polar, with lysine, which is basic and polar, at codon 146 of the C1QTNF5 protein (p.Gln146Lys). This variant is not present in population databases (gnomAD no frequency). This variant has not been reported in the literature in individuals affected with C1QTNF5-related conditions. An algorithm developed to predict the effect of missense changes on protein structure and function (PolyPhen-2) suggests that this variant is likely to be tolerated. In summary, the available evidence is currently insufficient to determine the role of this variant in disease. Therefore, it has been classified as a Variant of Uncertain Significance.

NM_001278431.2(C1QTNF5):c.436C>A (p.Gln146Lys)

Genes: C1QTNF5 (C1q and TNF related 5; minus strand), MFRP (membrane frizzled-related protein; minus strand). Cytogenetic location: 11q23.3.
Variant type: single nucleotide variant.
Coding change: c.436C>A on transcript NM_001278431.2 (MANE Select); coding-DNA position 436, C replaced by A.
Protein change: p.Gln146Lys; replaces glutamine 146 with lysine.
Molecular consequence: missense variant. On other transcripts: 3 prime UTR variant (1).
Genome position (GRCh38, 1-based): chr11:119,339,627, G>T on the plus strand (C>A on the coding strand, the complement: C1QTNF5 is on the minus strand). VCF-style: chr11-119339627-G-T. GRCh37 (hg19) VCF-style: chr11-119210337-G-T.
Other names: c.436C>A, p.Gln146Lys (NM_015645.5); c.*1332C>A (NM_031433.4); short protein forms Q146K.
Identifiers: ClinVar variation 3648830 (VCV003648830.2).